The following is an entry in ClinVar:

NM_020632.3(ATP6V0A4):c.728G>A (p.Arg243Gln)

Gene: ATP6V0A4 (ATPase H+ transporting V0 subunit a4; minus strand). Cytogenetic location: 7q34.
Variant type: single nucleotide variant.
Coding change: c.728G>A on transcript NM_020632.3 (MANE Select); coding-DNA position 728, G replaced by A.
Protein change: p.Arg243Gln; replaces arginine 243 with glutamine.
Molecular consequence: missense variant.
Genome position (GRCh38, 1-based): chr7:138,755,777, C>T on the plus strand (G>A on the coding strand, the complement: ATP6V0A4 is on the minus strand). VCF-style: chr7-138755777-C-T. GRCh37 (hg19) VCF-style: chr7-138440522-C-T.
Other names: c.728G>A, p.Arg243Gln (NM_130840.3, NM_130841.3); c.728G>A (NM_020632.2); short protein forms R243Q.
Identifiers: ClinVar variation 2038184 (VCV002038184.6), dbSNP rs377068937, ClinGen allele CA4505012.
Genomic context (GRCh38, chr7:138,755,777, plus strand): 5'-ACGCTCTCCAACATCTCTCTGCGCTCCACCGCAGGCTCTGGGCAAGGGTAGACAGTGGCT[C>T]GAAACCTGTGTTTAATATATTCCAAAGGAAACAGGTGAGTTCTTGCTGCAAAGCATTCTG-3'
Protein context (NP_065683.2, residues 233-253): QKIKKICDGF[Arg243Gln]ATVYPCPEPA

ClinVar aggregate classification (germline): Uncertain significance. Review status: criteria provided, multiple submitters, no conflicts (2 of 4 stars). 2 submissions from 2 submitters: Uncertain significance (2). Last evaluated 2025-10-18.

Conditions:
Inborn genetic diseases. Identifiers: MedGen C0950123, MeSH D030342.

Allele frequency attached by ClinVar (database versions not stated): TOPMed 0.00002; ExAC 0.00003; gnomAD 0.00003; ESP Exome Variant Server 0.00008.
gnomAD v4.1: 86 of 1,612,866 alleles (0.0053%); highest among the groups gnomAD compares: Non-Finnish European, 0.0063%; no homozygotes.

Submissions (2):

Ambry Genetics
Classification: Uncertain significance for Inborn genetic diseases. Last evaluated: 2025-10-18. Review status: criteria provided, single submitter. Criteria: Ambry Variant Classification Scheme 2023. Collection method: clinical testing. Allele origin: germline.

Labcorp Genetics (formerly Invitae), Labcorp
Classification: Uncertain significance. Last evaluated: 2023-04-18. Review status: criteria provided, single submitter. Criteria: Invitae Variant Classification Sherloc (09022015). Collection method: clinical testing. Allele origin: germline.
Comment: In summary, the available evidence is currently insufficient to determine the role of this variant in disease. Therefore, it has been classified as a Variant of Uncertain Significance. Advanced modeling of protein sequence and biophysical properties (such as structural, functional, and spatial information, amino acid conservation, physicochemical variation, residue mobility, and thermodynamic stability) performed at Invitae indicates that this missense variant is not expected to disrupt ATP6V0A4 protein function. ClinVar contains an entry for this variant (Variation ID: 2038184). This variant has not been reported in the literature in individuals affected with ATP6V0A4-related conditions. This variant is present in population databases (rs377068937, gnomAD 0.004%). This sequence change replaces arginine, which is basic and polar, with glutamine, which is neutral and polar, at codon 243 of the ATP6V0A4 protein (p.Arg243Gln).